The following is an entry in ClinVar:

NM_002900.3(RBP3):c.381G>A (p.Glu127=)

Gene: RBP3 (retinol binding protein 3; plus strand). Cytogenetic location: 10q11.22.
Variant type: single nucleotide variant.
Coding change: c.381G>A on transcript NM_002900.3 (MANE Select); coding-DNA position 381, G replaced by A.
Protein change: p.Glu127=; no amino-acid change (glutamic acid 127 retained).
Molecular consequence: synonymous variant.
Genome position (GRCh38, 1-based): chr10:47,348,865, G>A. VCF-style: chr10-47348865-G-A. GRCh37 (hg19) VCF-style: chr10-48390497-C-T.
Identifiers: ClinVar variation 3771689 (VCV003771689.13).
Genomic context (GRCh38, chr10:47,348,865, plus strand): 5'-CCTCTCAGAAGAGGAACTGCTTGCCTGGCTGCAAAGGGGCCTCCGCCATGAGGTTCTGGA[G>A]GGTAATGTGGGCTACCTGCGGGTGGACAGCGTCCCGGGCCAGGAGGTGCTGAGCATGATG-3'
Protein context (NP_002891.1, residues 117-137): LQRGLRHEVL[Glu127=]GNVGYLRVDS

ClinVar aggregate classification (germline): Likely benign (1 of 4 stars; one submission).

Submission:

CeGaT Center for Human Genetics Tuebingen
Classification: Likely benign. Last evaluated: 2024-12-01. Review status: criteria provided, single submitter. Criteria: CeGaT Center For Human Genetics Tuebingen Variant Classification Criteria Version 2. Collection method: clinical testing. Allele origin: germline. Affected: yes. Observed: 1 variant allele.
Comment: RBP3: PM2:Supporting, BP4, BP7